The following is an entry in ClinVar:

NM_007327.4(GRIN1):c.1752C>A (p.Ser584Arg)

Gene: GRIN1 (glutamate ionotropic receptor NMDA type subunit 1; plus strand). Cytogenetic location: 9q34.3.
Variant type: single nucleotide variant.
Coding change: c.1752C>A on transcript NM_007327.4 (MANE Select); coding-DNA position 1752, C replaced by A.
Protein change: p.Ser584Arg; replaces serine 584 with arginine.
Molecular consequence: missense variant.
Genome position (GRCh38, 1-based): chr9:137,162,404, C>A. VCF-style: chr9-137162404-C-A. GRCh37 (hg19) VCF-style: chr9-140056856-C-A.
Other names: c.1752C>A, p.Ser584Arg (NM_000832.7, NM_021569.4); c.1815C>A, p.Ser605Arg (NM_001185090.2, NM_001185091.2); short protein forms S584R, S605R.
Identifiers: ClinVar variation 3364809 (VCV003364809.1).

ClinVar aggregate classification (germline): Uncertain significance (1 of 4 stars; one submission).

Submission:

GeneDx
Classification: Uncertain significance. Last evaluated: 2023-11-29. Review status: criteria provided, single submitter. Criteria: GeneDx Variant Classification Process June 2021. Collection method: clinical testing. Allele origin: germline. Affected: yes.
Comment: Not observed at significant frequency in large population cohorts (gnomAD); In silico analysis supports that this missense variant has a deleterious effect on protein structure/function; Has not been previously published as pathogenic or benign to our knowledge